The following is an entry in ClinVar:

NM_022552.5(DNMT3A):c.902G>A (p.Arg301Gln)

Gene: DNMT3A (DNA methyltransferase 3 alpha; minus strand). Cytogenetic location: 2p23.3.
Variant type: single nucleotide variant.
Coding change: c.902G>A on transcript NM_022552.5 (MANE Select); coding-DNA position 902, G replaced by A.
Protein change: p.Arg301Gln; replaces arginine 301 with glutamine.
Molecular consequence: missense variant. On other transcripts: non-coding transcript variant (1).
Genome position (GRCh38, 1-based): chr2:25,247,703, C>T on the plus strand (G>A on the coding strand, the complement: DNMT3A is on the minus strand). VCF-style: chr2-25247703-C-T. GRCh37 (hg19) VCF-style: chr2-25470572-C-T.
Other names: c.446G>A, p.Arg149Gln (NM_001320893.1); c.233G>A, p.Arg78Gln (NM_001375819.1); c.335G>A, p.Arg112Gln (NM_153759.3); c.902G>A, p.Arg301Gln (NM_175629.2); short protein forms R301Q, R149Q, R112Q, R78Q.
Identifiers: ClinVar variation 4983572 (VCV004983572.1).
Genomic context (GRCh38, chr2:25,247,703, plus strand): 5'-GCTCGGCTCCGGCCCGTCATCCACCAAGACACAATGCGGCCTGGCCACCAGGAGAAGCCC[C>T]GCAGTTTCCCCCACACCAGCTCCCCAATGCCAAAGCCCCGGCCGTCCTGGAGCCCCAAGG-3'
Protein context (NP_072046.2, residues 291-311): GIGELVWGKL[Arg301Gln]GFSWWPGRIV

ClinVar aggregate classification (germline): Uncertain significance (1 of 4 stars; one submission).

Conditions:
DNMT3A-related disorder. Also called: DNMT3A-related disorders; DNMT3A-related condition.

gnomAD v4.1: 2 of 1,613,630 alleles (0.00012%); highest among the groups gnomAD compares: South Asian, 0.0011%; no homozygotes.

Submission:

PreventionGenetics, part of Exact Sciences
Classification: Uncertain significance for DNMT3A-related condition. Last evaluated: 2026-07-02. Review status: criteria provided, single submitter. Criteria: ACMG Guidelines, 2015. Collection method: clinical testing. Allele origin: germline.
Comment: The DNMT3A c.902G>A variant is predicted to result in the amino acid substitution p.Arg301Gln. To our knowledge, this variant has not been reported in the literature or in a large population database (gnomAD), indicating this variant is rare. At this time, the clinical significance of this variant is uncertain due to the absence of conclusive functional and genetic evidence.